The following is an entry in ClinVar:

ClinVar aggregate classification (germline): Uncertain significance. Review status: criteria provided, multiple submitters, no conflicts (2 of 4 stars). 2 submissions from 2 submitters: Uncertain significance (2). Last evaluated 2024-10-07.

Conditions:
Tuberous sclerosis 2 (TSC2). Identifiers: Orphanet 805, MedGen C1860707, MONDO:0013199, OMIM 613254.

Submissions (2):

Labcorp Genetics (formerly Invitae), Labcorp
Classification: Uncertain significance for Tuberous sclerosis 2. Last evaluated: 2024-10-07. Review status: criteria provided, single submitter. Criteria: Invitae Variant Classification Sherloc (09022015). Collection method: clinical testing. Allele origin: germline.
Comment: This sequence change replaces leucine, which is neutral and non-polar, with proline, which is neutral and non-polar, at codon 140 of the TSC2 protein (p.Leu140Pro). This variant is not present in population databases (gnomAD no frequency). This variant has not been reported in the literature in individuals affected with TSC2-related conditions. ClinVar contains an entry for this variant (Variation ID: 1303529). Invitae Evidence Modeling of protein sequence and biophysical properties (such as structural, functional, and spatial information, amino acid conservation, physicochemical variation, residue mobility, and thermodynamic stability) has been performed for this missense variant. However, the output from this modeling did not meet the statistical confidence thresholds required to predict the impact of this variant on TSC2 protein function. In summary, the available evidence is currently insufficient to determine the role of this variant in disease. Therefore, it has been classified as a Variant of Uncertain Significance.

GeneDx
Classification: Uncertain significance. Last evaluated: 2017-07-17. Review status: criteria provided, single submitter. Criteria: GeneDx Variant Classification Process June 2021. Collection method: clinical testing. Allele origin: germline. Affected: yes.
Comment: Not observed in large population cohorts (Lek et al., 2016); In silico analysis supports that this missense variant has a deleterious effect on protein structure/function; Has not been previously published as pathogenic or benign to our knowledge; This variant is associated with the following publications: (PMID: 22974335)

NM_000548.5(TSC2):c.419T>C (p.Leu140Pro)

Gene: TSC2 (TSC complex subunit 2; plus strand). Cytogenetic location: 16p13.3.
Variant type: single nucleotide variant.
Coding change: c.419T>C on transcript NM_000548.5 (MANE Select); coding-DNA position 419, T replaced by C.
Protein change: p.Leu140Pro; replaces leucine 140 with proline.
Molecular consequence: missense variant. On other transcripts: intron variant (1).
Genome position (GRCh38, 1-based): chr16:2,054,378, T>C. VCF-style: chr16-2054378-T-C. GRCh37 (hg19) VCF-style: chr16-2104379-T-C.
Other names: c.419T>C, p.Leu140Pro (NM_021055.3, NM_001077183.3, NM_001114382.3 and 3 more transcripts); c.-1-1818T>C (NM_001318831.2); c.308T>C, p.Leu103Pro (NM_001318827.2); c.272T>C, p.Leu91Pro (NM_001318829.2); c.452T>C, p.Leu151Pro (NM_001318832.2); short protein forms L103P, L140P, L151P, L91P.
Identifiers: ClinVar variation 1303529 (VCV001303529.5), dbSNP rs2151042793, ClinGen allele CA394307181.